The following is an entry in ClinVar:

ClinVar aggregate classification (germline): Pathogenic (1 of 4 stars; one submission).

Submission:

Labcorp Genetics (formerly Invitae), Labcorp
Classification: Pathogenic. Last evaluated: 2022-02-04. Review status: criteria provided, single submitter. Criteria: Invitae Variant Classification Sherloc (09022015). Collection method: clinical testing. Allele origin: germline.
Comment: This variant is not present in population databases (gnomAD no frequency). This premature translational stop signal has been observed in individual(s) with clinical features of congenital hereditary endothelial dystrophy (Invitae). In at least one individual the data is consistent with being in trans (on the opposite chromosome) from a pathogenic variant. This sequence change creates a premature translational stop signal (p.Thr818Aspfs*61) in the SLC4A11 gene. While this is not anticipated to result in nonsense mediated decay, it is expected to disrupt the last 74 amino acid(s) of the SLC4A11 protein. This variant disrupts the p.Leu843 amino acid residue in SLC4A11. Other variant(s) that disrupt this residue have been determined to be pathogenic (PMID: 17220209, 27057589). This suggests that this residue is clinically significant, and that variants that disrupt this residue are likely to be disease-causing. ClinVar contains an entry for this variant (Variation ID: 1068399). For these reasons, this variant has been classified as Pathogenic.

Literature cited by the submitters: PubMed 17220209; PubMed 27057589.

NM_001174089.2(SLC4A11):c.2402dup (p.Thr802fs)

Gene: SLC4A11 (solute carrier family 4 member 11; minus strand). Cytogenetic location: 20p13.
Variant type: Duplication.
Coding change: c.2402dup on transcript NM_001174089.2 (MANE Select); coding-DNA position 2402, one base duplicated (C; older notation c.2402dupC).
Protein change: p.Thr802fs; shifts the reading frame from threonine 802.
Molecular consequence: frameshift variant. On other transcripts: non-coding transcript variant (1).
Genome position (GRCh38, 1-based): chr20:3,228,415, G duplicated on the plus strand (C on the coding strand, the reverse complement: SLC4A11 is on the minus strand); the first of 6 consecutive G bases (chr20:3,228,415-3,228,420); duplicating any one gives the same sequence. VCF-style (leftmost placement, unchanged base first): chr20-3228414-C-CG. GRCh37 (hg19) VCF-style: chr20-3209060-C-CG.
Other names: c.2531dup, p.Thr845fs (NM_001174090.2); c.2288dup, p.Thr764fs (NM_001363745.2); c.2450dup, p.Thr818fs (NM_032034.4); short protein forms T764fs, T802fs, T818fs, T845fs.
Identifiers: ClinVar variation 1068399 (VCV001068399.9), dbSNP rs2067616141, ClinGen allele CA2346474980.